The following is an entry in ClinVar:

NM_004204.5(PIGQ):c.741C>G (p.Cys247Trp)

Gene: PIGQ (phosphatidylinositol glycan anchor biosynthesis class Q; plus strand). Cytogenetic location: 16p13.3.
Variant type: single nucleotide variant.
Coding change: c.741C>G on transcript NM_004204.5 (MANE Select); coding-DNA position 741, C replaced by G.
Protein change: p.Cys247Trp; replaces cysteine 247 with tryptophan.
Molecular consequence: missense variant.
Genome position (GRCh38, 1-based): chr16:575,890, C>G. VCF-style: chr16-575890-C-G. GRCh37 (hg19) VCF-style: chr16-625890-C-G.
Other names: c.741C>G, p.Cys247Trp (NM_148920.4); short protein forms C247W.
Identifiers: ClinVar variation 2016926 (VCV002016926.4), dbSNP rs891335265, ClinGen allele CA394051698.

ClinVar aggregate classification (germline): Uncertain significance (1 of 4 stars; one submission).

Conditions:
Epilepsy. Also called: Seizure disorder. Identifiers: MedGen C0014544, MeSH D004827, MONDO:0005027.

gnomAD v4.1: 2 of 1,575,286 alleles (0.00013%); highest among the groups gnomAD compares: Admixed American, 0.0018%; no homozygotes.

Submission:

Labcorp Genetics (formerly Invitae), Labcorp
Classification: Uncertain significance for Epilepsy. Last evaluated: 2022-07-14. Review status: criteria provided, single submitter. Criteria: Invitae Variant Classification Sherloc (09022015). Collection method: clinical testing. Allele origin: germline.
Comment: In summary, the available evidence is currently insufficient to determine the role of this variant in disease. Therefore, it has been classified as a Variant of Uncertain Significance. Algorithms developed to predict the effect of missense changes on protein structure and function are either unavailable or do not agree on the potential impact of this missense change (SIFT: "Tolerated"; PolyPhen-2: "Probably Damaging"; Align-GVGD: "Class C0"). This variant has not been reported in the literature in individuals affected with PIGQ-related conditions. The frequency data for this variant in the population databases is considered unreliable, as metrics indicate poor data quality at this position in the gnomAD database. This sequence change replaces cysteine, which is neutral and slightly polar, with tryptophan, which is neutral and slightly polar, at codon 247 of the PIGQ protein (p.Cys247Trp).